The following is an entry in ClinVar:

ClinVar aggregate classification (germline): Benign. Review status: criteria provided, multiple submitters, no conflicts (2 of 4 stars). 9 submissions from 9 submitters: Benign (7). 2 of the submissions do not count toward it. Last evaluated 2026-02-04.

Conditions:
Epidermodysplasia verruciformis. Identifiers: Orphanet 302, MedGen C0014522, MONDO:0009176.
Epidermodysplasia verruciformis, susceptibility to, 2. Also called: Epidermodysplasia verruciformis 2. Identifiers: MedGen C4722258, MONDO:0032614, OMIM 618231.

Allele frequency attached by ClinVar (database versions not stated): ExAC 0.58161; 1000 Genomes Project 0.60184; 1000 Genomes Project 30x 0.60946; gnomAD 0.61929; ESP Exome Variant Server 0.62302; TOPMed 0.63256.
gnomAD v4.1: 898,065 of 1,602,978 alleles (56%); highest among the groups gnomAD compares: African/African-American, 76%; 254,998 homozygotes.

Submissions (9):

Labcorp Genetics (formerly Invitae), Labcorp
Classification: Benign for Epidermodysplasia verruciformis. Last evaluated: 2026-02-04. Review status: criteria provided, single submitter. Criteria: Invitae Variant Classification Sherloc (09022015). Collection method: clinical testing. Allele origin: germline.

Blueprint Genetics
Classification: Benign. Last evaluated: 2024-11-28. Review status: criteria provided, single submitter. Criteria: ACMG Guidelines, 2015. Collection method: clinical testing. Allele origin: germline.

Unidad de Genómica Garrahan, Hospital de Pediatría Garrahan
Classification: Benign. Last evaluated: 2024-01-24. Review status: criteria provided, single submitter. Criteria: ACMG Guidelines, 2015. Collection method: clinical testing. Allele origin: germline. Affected: no. Observed: 77 variant alleles.
Comment: This variant is classified as Benign based on local population frequency. This variant was detected in 88% of patients studied by a panel of primary immunodeficiencies. Number of patients: 77. Only high quality variants are reported.

Genome-Nilou Lab
Classification: Benign for Epidermodysplasia verruciformis, susceptibility to, 2. Last evaluated: 2021-09-10. Review status: criteria provided, single submitter. Criteria: ACMG Guidelines, 2015. Collection method: clinical testing. Allele origin: germline. Affected: no.

GeneDx
Classification: Benign. Last evaluated: 2018-07-09. Review status: criteria provided, single submitter. Criteria: GeneDx Variant Classification Process June 2021. Collection method: clinical testing. Allele origin: germline. Affected: yes.

Laboratory for Molecular Medicine, Mass General Brigham Personalized Medicine
Classification: Benign. Last evaluated: 2016-03-29. Review status: criteria provided, single submitter. Criteria: LMM Criteria. Collection method: clinical testing. Allele origin: germline.
Comment: Variant identified in a genome or exome case(s) and assessed due to predicted null impact of the variant or pathogenic assertions in the literature or databases. Disclaimer: This variant has not undergone full assessment. The following are preliminary notes: Frequency

Breakthrough Genomics
Classification: Benign. Review status: criteria provided, single submitter. Criteria: ACMG Guidelines, 2015. Collection method: not provided. Allele origin: germline. Inheritance: Autosomal recessive inheritance. Affected: yes.

Diagnostic Laboratory, Department of Genetics, University Medical Center Groningen
Classification: Benign. Review status: no assertion criteria provided. Collection method: clinical testing. Allele origin: germline. Affected: yes. Study: VKGL Data-share Consensus. Not counted in ClinVar's aggregate classification.

Joint Genome Diagnostic Labs from Nijmegen and Maastricht, Radboudumc and MUMC+
Classification: Benign. Review status: no assertion criteria provided. Collection method: clinical testing. Allele origin: germline. Affected: yes. Study: VKGL Data-share Consensus. Not counted in ClinVar's aggregate classification.

NM_152468.5(TMC8):c.1823+15C>A

Gene: TMC8 (transmembrane channel like 8; plus strand). Cytogenetic location: 17q25.3.
Variant type: single nucleotide variant.
Coding change: c.1823+15C>A on transcript NM_152468.5 (MANE Select); 15 bases into the intron after coding-DNA position 1823, C replaced by A.
Molecular consequence: intron variant.
Genome position (GRCh38, 1-based): chr17:78,138,747, C>A. VCF-style: chr17-78138747-C-A. GRCh37 (hg19) VCF-style: chr17-76134828-C-A.
Identifiers: ClinVar variation 403549 (VCV000403549.28), dbSNP rs7221365, ClinGen allele CA8796989.
Genomic context (GRCh38, chr17:78,138,747, plus strand): 5'-ACCTGGGCTCCCACGCCTTCAGCTTCCCCCTCCTCATCATGCTCAGGTTCTCAGGGCAGC[C>A]GGGGCCATGGGAGGGGACACCTGGAGGGGGAGGTCCTTCCTTCCATGGGGGTGGTGAGCC-3'